The following is an entry in ClinVar:

ClinVar aggregate classification (germline): Pathogenic/Likely pathogenic. Review status: criteria provided, multiple submitters, no conflicts (2 of 4 stars). 2 submissions from 2 submitters: Pathogenic (1); Likely pathogenic (1). Last evaluated 2023-12-26.

Conditions:
Alternating hemiplegia of childhood 2 (AHC2). Also called: Alternating Hemiplegia of Childhood (AHC). Identifiers: Orphanet 2131, MedGen C3553788, MONDO:0013900, OMIM 614820.

Submissions (2):

3billion
Classification: Likely pathogenic for Alternating hemiplegia of childhood 2. Last evaluated: 2023-12-26. Review status: criteria provided, single submitter. Criteria: ACMG Guidelines, 2015. Collection method: clinical testing. Allele origin: germline. Affected: yes.
Comment: The variant is not observed in the gnomAD v2.1.1 dataset. Predicted Consequence/Location: Missense changes are a common disease-causing mechanism. In silico tool predictions suggest damaging effect of the variant on gene or gene product [REVEL: 0.97 (>=0.6, sensitivity 0.68 and specificity 0.92); 3Cnet: 0.99 (>=0.6, sensitivity 0.72 and precision 0.9)]. Same nucleotide change resulting in same amino acid change has been previously reported to be associated with ATP1A3-related disorder (PMID: 29861155). A different missense change at the same codon (p.Asp609Asn) has been reported to be associated with ATP1A3-related disorder (PMID: 35041927). Therefore, this variant is classified as Likely pathogenic according to the recommendation of ACMG/AMP guideline.

Cytogénomique, Hospices Civils de Lyon
Classification: Pathogenic for Alternating hemiplegia of childhood 2. Last evaluated: 2021-09-17. Review status: criteria provided, single submitter. Criteria: ACMG Guidelines, 2015. Collection method: clinical testing. Allele origin: unknown. Inheritance: Autosomal dominant inheritance. Affected: yes.

Literature cited by the submitters: PubMed 35041927 (cited by 3billion); PubMed 29861155 (cited by 3billion).

NM_152296.5(ATP1A3):c.1825G>T (p.Asp609Tyr)

Gene: ATP1A3 (ATPase Na+/K+ transporting subunit alpha 3; minus strand). Cytogenetic location: 19q13.2.
Variant type: single nucleotide variant.
Coding change: c.1825G>T on transcript NM_152296.5 (MANE Select); coding-DNA position 1825, G replaced by T.
Protein change: p.Asp609Tyr; replaces aspartic acid 609 with tyrosine.
Molecular consequence: missense variant.
Genome position (GRCh38, 1-based): chr19:41,978,054, C>A on the plus strand (G>T on the coding strand, the complement: ATP1A3 is on the minus strand). VCF-style: chr19-41978054-C-A. GRCh37 (hg19) VCF-style: chr19-42482206-C-A.
Other names: c.1858G>T, p.Asp620Tyr (NM_001256213.2); c.1864G>T, p.Asp622Tyr (NM_001256214.2); short protein forms D609Y, D620Y, D622Y.
Identifiers: ClinVar variation 813816 (VCV000813816.8), dbSNP rs2075190697, ClinGen allele CA406045249.